The following is an entry in ClinVar:

ClinVar aggregate classification (germline): Uncertain significance. Review status: criteria provided, multiple submitters, no conflicts (2 of 4 stars). 2 submissions from 2 submitters: Uncertain significance (2). Last evaluated 2026-02-01.

Conditions:
Ehlers-Danlos syndrome, musculocontractural type 2 (EDSMC2). Identifiers: Orphanet 2953, MedGen C3809845, MONDO:0014236, OMIM 615539.

Allele frequency attached by ClinVar (database versions not stated): gnomAD 0.00005 and 0.00006; TOPMed 0.00008.
gnomAD v4.1: 28 of 1,613,974 alleles (0.0017%); highest among the groups gnomAD compares: African/African-American, 0.0093%; no homozygotes.

Submissions (2):

CeGaT Center for Human Genetics Tuebingen
Classification: Uncertain significance. Last evaluated: 2026-02-01. Review status: criteria provided, single submitter. Criteria: CeGaT Center For Human Genetics Tuebingen Variant Classification Criteria Version 2. Collection method: clinical testing. Allele origin: germline. Affected: yes. Observed: 1 variant allele.
Comment: DSE: PM2, BP4

Labcorp Genetics (formerly Invitae), Labcorp
Classification: Uncertain significance for Ehlers-Danlos syndrome, musculocontractural type 2. Last evaluated: 2024-11-18. Review status: criteria provided, single submitter. Criteria: Invitae Variant Classification Sherloc (09022015). Collection method: clinical testing. Allele origin: germline.
Comment: This sequence change replaces methionine, which is neutral and non-polar, with valine, which is neutral and non-polar, at codon 918 of the DSE protein (p.Met918Val). This variant is present in population databases (rs780791978, gnomAD 0.02%). This variant has not been reported in the literature in individuals affected with DSE-related conditions. ClinVar contains an entry for this variant (Variation ID: 1509733). An algorithm developed to predict the effect of missense changes on protein structure and function outputs the following: PolyPhen-2: "Benign". The valine amino acid residue is found in multiple mammalian species, which suggests that this missense change does not adversely affect protein function. In summary, the available evidence is currently insufficient to determine the role of this variant in disease. Therefore, it has been classified as a Variant of Uncertain Significance.

NM_013352.4(DSE):c.2752A>G (p.Met918Val)

Gene: DSE (dermatan sulfate epimerase; plus strand). Cytogenetic location: 6q22.1.
Variant type: single nucleotide variant.
Coding change: c.2752A>G on transcript NM_013352.4 (MANE Select); coding-DNA position 2752, A replaced by G.
Protein change: p.Met918Val; replaces methionine 918 with valine.
Molecular consequence: missense variant. On other transcripts: 3 prime UTR variant (2), non-coding transcript variant (1).
Genome position (GRCh38, 1-based): chr6:116,437,220, A>G. VCF-style: chr6-116437220-A-G. GRCh37 (hg19) VCF-style: chr6-116758383-A-G.
Other names: c.2752A>G, p.Met918Val (NM_001080976.3, NM_001322937.2, NM_001322938.2); c.2809A>G, p.Met937Val (NM_001322939.2); c.2191A>G, p.Met731Val (NM_001322940.2, NM_001322941.2); c.*1617A>G (NM_001322943.2, NM_001322944.2); c.1753A>G, p.Met585Val (NM_001374520.1); c.1717A>G, p.Met573Val (NM_001374521.1); short protein forms M731V, M937V, M585V, M918V, M573V.
Identifiers: ClinVar variation 1509733 (VCV001509733.11), dbSNP rs780791978, ClinGen allele CA3969866.